The following is an entry in ClinVar:

ClinVar aggregate classification (germline): Uncertain significance (1 of 4 stars; one submission).

Conditions:
Hereditary cancer-predisposing syndrome. Also called: Tumor predisposition; Hereditary Cancer Syndrome; Neoplastic Syndromes, Hereditary; Hereditary neoplastic syndrome. Identifiers: Orphanet 140162, MedGen C0027672, MeSH D009386, MONDO:0015356.

Submission:

Ambry Genetics
Classification: Uncertain significance for Hereditary cancer-predisposing syndrome. Last evaluated: 2018-11-28. Review status: criteria provided, single submitter. Criteria: Ambry Variant Classification Scheme 2023. Collection method: clinical testing. Allele origin: germline.
Comment: The p.A1075T variant (also known as c.3223G>A), located in coding exon 19 of the DICER1 gene, results from a G to A substitution at nucleotide position 3223. The alanine at codon 1075 is replaced by threonine, an amino acid with similar properties. This amino acid position is highly conserved in available vertebrate species. In addition, the in silico prediction for this alteration is inconclusive. Since supporting evidence is limited at this time, the clinical significance of this alteration remains unclear.

NM_177438.3(DICER1):c.3223G>A (p.Ala1075Thr)

Gene: DICER1 (dicer 1, ribonuclease III; minus strand). Cytogenetic location: 14q32.13.
Variant type: single nucleotide variant.
Coding change: c.3223G>A on transcript NM_177438.3 (MANE Select); coding-DNA position 3223, G replaced by A.
Protein change: p.Ala1075Thr; replaces alanine 1075 with threonine.
Molecular consequence: missense variant.
Genome position (GRCh38, 1-based): chr14:95,105,117, C>T on the plus strand (G>A on the coding strand, the complement: DICER1 is on the minus strand). VCF-style: chr14-95105117-C-T. GRCh37 (hg19) VCF-style: chr14-95571454-C-T.
Other names: c.3223G>A, p.Ala1075Thr (NM_001195573.1, NM_001271282.3, NM_001291628.2 and 1 more transcripts); short protein forms A1075T.
Identifiers: ClinVar variation 823234 (VCV000823234.4), dbSNP rs1595370679, ClinGen allele CA390876453.